The following is an entry in ClinVar:

NM_005739.4(RASGRP1):c.1942C>G (p.Arg648Gly)

Gene: RASGRP1 (RAS guanyl releasing protein 1; minus strand). Cytogenetic location: 15q14.
Variant type: single nucleotide variant.
Coding change: c.1942C>G on transcript NM_005739.4 (MANE Select); coding-DNA position 1942, C replaced by G.
Protein change: p.Arg648Gly; replaces arginine 648 with glycine.
Molecular consequence: missense variant. On other transcripts: intron variant (1).
Genome position (GRCh38, 1-based): chr15:38,494,699, G>C on the plus strand (C>G on the coding strand, the complement: RASGRP1 is on the minus strand). VCF-style: chr15-38494699-G-C. GRCh37 (hg19) VCF-style: chr15-38786900-G-C.
Other names: c.1837C>G, p.Arg613Gly (NM_001128602.2); c.1769-4011C>G (NM_001306086.2); short protein forms R613G, R648G.
Identifiers: ClinVar variation 1363509 (VCV001363509.6), dbSNP rs759232410, ClinGen allele CA391662367.

ClinVar aggregate classification (germline): Uncertain significance (1 of 4 stars; one submission).

gnomAD v4.1: 6 of 1,527,110 alleles (0.00039%); highest among the groups gnomAD compares: Non-Finnish European, 0.00053%; no homozygotes.

Submission:

Labcorp Genetics (formerly Invitae), Labcorp
Classification: Uncertain significance. Last evaluated: 2021-08-06. Review status: criteria provided, single submitter. Criteria: Invitae Variant Classification Sherloc (09022015). Collection method: clinical testing. Allele origin: germline.
Comment: In summary, the available evidence is currently insufficient to determine the role of this variant in disease. Therefore, it has been classified as a Variant of Uncertain Significance. Algorithms developed to predict the effect of missense changes on protein structure and function are either unavailable or do not agree on the potential impact of this missense change (SIFT: "Tolerated"; PolyPhen-2: "Possibly Damaging"; Align-GVGD: "Class C0"). This variant has not been reported in the literature in individuals affected with RASGRP1-related conditions. This variant is not present in population databases (ExAC no frequency). This sequence change replaces arginine with glycine at codon 648 of the RASGRP1 protein (p.Arg648Gly). The arginine residue is moderately conserved and there is a moderate physicochemical difference between arginine and glycine.